The following is an entry in ClinVar:

ClinVar aggregate classification (germline): Likely benign. Review status: criteria provided, single submitter (1 of 4 stars). 2 submissions from 2 submitters: Likely benign (1). 1 of the submissions does not count toward it. Last evaluated 2018-07-10.

Conditions:
HDLBP-related disorder. Also called: HDLBP-related condition.

Allele frequency attached by ClinVar (database versions not stated): TOPMed 0.00010.
gnomAD v4.1: 76 of 1,613,918 alleles (0.0047%); highest among the groups gnomAD compares: Middle Eastern, 0.082%; no homozygotes.

Submissions (2):

Labcorp Genetics (formerly Invitae), Labcorp
Classification: Likely benign. Last evaluated: 2018-07-10. Review status: criteria provided, single submitter. Criteria: Invitae Variant Classification Sherloc (09022015). Collection method: clinical testing. Allele origin: germline.

PreventionGenetics, part of Exact Sciences
Classification: Likely benign for HDLBP-related condition. Last evaluated: 2019-08-08. Review status: no assertion criteria provided. Collection method: clinical testing. Allele origin: germline. Not counted in ClinVar's aggregate classification.
Comment: This variant is classified as likely benign based on ACMG/AMP sequence variant interpretation guidelines (Richards et al. 2015 PMID: 25741868, with internal and published modifications).

NM_005336.6(HDLBP):c.738C>G (p.Gly246=)

Gene: HDLBP (high density lipoprotein binding protein; minus strand). Cytogenetic location: 2q37.3.
Variant type: single nucleotide variant.
Coding change: c.738C>G on transcript NM_005336.6 (MANE Select); coding-DNA position 738, C replaced by G.
Protein change: p.Gly246=; no amino-acid change (glycine 246 retained).
Molecular consequence: synonymous variant.
Genome position (GRCh38, 1-based): chr2:241,256,319, G>C on the plus strand (C>G on the coding strand, the complement: HDLBP is on the minus strand). VCF-style: chr2-241256319-G-C. GRCh37 (hg19) VCF-style: chr2-242195734-G-C.
Other names: c.846C>G, p.Gly282= (NM_001243900.3); c.738C>G, p.Gly246= (NM_001320965.3, NM_001320966.3, NM_001320967.3 and 1 more transcripts); c.738C>G (NM_001320966.1).
Identifiers: ClinVar variation 758781 (VCV000758781.5), dbSNP rs775484283, ClinGen allele CA2216866.
Genomic context (GRCh38, chr2:241,256,319, plus strand): 5'-TGTCCGGTTCACGCTGGGTGGGGGGATGTTGATGCGCGTGCCTGTCTCCTGCATGATCTC[G>C]CCAACCAGTCTATTATACGGCCCAGCGATGAAGGGGTGGAATGCCTTTTCTACTTCTAGC-3'
Protein context (NP_005327.1, residues 236-256): FIAGPYNRLV[Gly246=]EIMQETGTRI